The following is an entry in ClinVar:

NM_004380.3(CREBBP):c.2098C>T (p.Pro700Ser)

Gene: CREBBP (CREB binding lysine acetyltransferase; minus strand). Cytogenetic location: 16p13.3.
Variant type: single nucleotide variant.
Coding change: c.2098C>T on transcript NM_004380.3 (MANE Select); coding-DNA position 2098, C replaced by T.
Protein change: p.Pro700Ser; replaces proline 700 with serine.
Molecular consequence: missense variant.
Genome position (GRCh38, 1-based): chr16:3,778,026, G>A on the plus strand (C>T on the coding strand, the complement: CREBBP is on the minus strand). VCF-style: chr16-3778026-G-A. GRCh37 (hg19) VCF-style: chr16-3828027-G-A.
Other names: c.2098C>T (NM_004380.2); c.1984C>T, p.Pro662Ser (NM_001079846.1); short protein forms P700S, P662S.
Identifiers: ClinVar variation 2102606 (VCV002102606.5), dbSNP rs2053186121, ClinGen allele CA394554288.
Genomic context (GRCh38, chr16:3,778,026, plus strand): 5'-CAAGGAAACAGGCTAAGGGATGGCAGTAGGAAATAAAATCCTTACTTGGAGGTCTCACAG[G>A]TTGTGCCTGTGGAATCACAGGGGGCTGAGCCCCCGGGGCTGGTAAGGCTGGCTGGTTCCC-3'
Protein context (NP_004371.2, residues 690-710): AQPPVIPQAQ[Pro700Ser]VRPPNGPLSL

ClinVar aggregate classification (germline): Uncertain significance. Review status: criteria provided, multiple submitters, no conflicts (2 of 4 stars). 2 submissions from 2 submitters: Uncertain significance (2). Last evaluated 2024-09-23.

Conditions:
Rubinstein-Taybi syndrome (RSTS). Identifiers: Orphanet 783, MedGen C0035934, MONDO:0019188.
CREBBP-related disorder. Also called: CREBBP-related condition; CREBBP-related disorders.

Submissions (2):

Labcorp Genetics (formerly Invitae), Labcorp
Classification: Uncertain significance for Rubinstein-Taybi syndrome. Last evaluated: 2024-09-23. Review status: criteria provided, single submitter. Criteria: Invitae Variant Classification Sherloc (09022015). Collection method: clinical testing. Allele origin: germline.
Comment: This sequence change replaces proline, which is neutral and non-polar, with serine, which is neutral and polar, at codon 700 of the CREBBP protein (p.Pro700Ser). This variant is not present in population databases (gnomAD no frequency). This variant has not been reported in the literature in individuals affected with CREBBP-related conditions. ClinVar contains an entry for this variant (Variation ID: 2102606). Invitae Evidence Modeling of protein sequence and biophysical properties (such as structural, functional, and spatial information, amino acid conservation, physicochemical variation, residue mobility, and thermodynamic stability) indicates that this missense variant is not expected to disrupt CREBBP protein function with a negative predictive value of 95%. In summary, the available evidence is currently insufficient to determine the role of this variant in disease. Therefore, it has been classified as a Variant of Uncertain Significance.

PreventionGenetics, part of Exact Sciences
Classification: Uncertain significance for CREBBP-related condition. Last evaluated: 2023-02-03. Review status: criteria provided, single submitter. Criteria: ACMG Guidelines, 2015. Collection method: clinical testing. Allele origin: germline.
Comment: The CREBBP c.2098C>T variant is predicted to result in the amino acid substitution p.Pro700Ser. To our knowledge, this variant has not been reported in the literature or in a large population database, indicating this variant is rare. At this time, the clinical significance of this variant is uncertain due to the absence of conclusive functional and genetic evidence.